The following is an entry in ClinVar:

ClinVar aggregate classification (germline): Uncertain significance. Review status: criteria provided, multiple submitters, no conflicts (2 of 4 stars). 2 submissions from 2 submitters: Uncertain significance (2). Last evaluated 2023-02-06.

Conditions:
Noonan syndrome 9 (NS9). Identifiers: Orphanet 648, MedGen C4225282, MONDO:0014691, OMIM 616559.

Allele frequency attached by ClinVar (database versions not stated): gnomAD exomes below 0.00001.
gnomAD v4.1: 1 of 1,613,792 alleles (0.000062%); highest among the groups gnomAD compares: Non-Finnish European, 0.000085%; no homozygotes.

Submissions (2):

GeneDx
Classification: Uncertain significance. Last evaluated: 2023-02-06. Review status: criteria provided, single submitter. Criteria: GeneDx Variant Classification Process June 2021. Collection method: clinical testing. Allele origin: germline. Affected: yes.
Comment: Not observed at significant frequency in large population cohorts (gnomAD); In silico analysis supports that this missense variant does not alter protein structure/function; Has not been previously published as pathogenic or benign to our knowledge

Labcorp Genetics (formerly Invitae), Labcorp
Classification: Uncertain significance for Noonan syndrome 9. Last evaluated: 2022-08-07. Review status: criteria provided, single submitter. Criteria: Invitae Variant Classification Sherloc (09022015). Collection method: clinical testing. Allele origin: germline.
Comment: This variant has not been reported in the literature in individuals affected with SOS2-related conditions. In summary, the available evidence is currently insufficient to determine the role of this variant in disease. Therefore, it has been classified as a Variant of Uncertain Significance. Advanced modeling of protein sequence and biophysical properties (such as structural, functional, and spatial information, amino acid conservation, physicochemical variation, residue mobility, and thermodynamic stability) performed at Invitae indicates that this missense variant is not expected to disrupt SOS2 protein function. This variant is not present in population databases (gnomAD no frequency). This sequence change replaces glycine, which is neutral and non-polar, with alanine, which is neutral and non-polar, at codon 1240 of the SOS2 protein (p.Gly1240Ala).

NM_006939.4(SOS2):c.3719G>C (p.Gly1240Ala)

Gene: SOS2 (SOS Ras/Rho guanine nucleotide exchange factor 2; minus strand). Cytogenetic location: 14q21.3.
Variant type: single nucleotide variant.
Coding change: c.3719G>C on transcript NM_006939.4 (MANE Select); coding-DNA position 3719, G replaced by C.
Protein change: p.Gly1240Ala; replaces glycine 1240 with alanine.
Molecular consequence: missense variant.
Genome position (GRCh38, 1-based): chr14:50,118,624, C>G on the plus strand (G>C on the coding strand, the complement: SOS2 is on the minus strand). VCF-style: chr14-50118624-C-G. GRCh37 (hg19) VCF-style: chr14-50585342-C-G.
Other names: c.3620G>C, p.Gly1207Ala (NM_001411020.1); short protein forms G1240A, G1207A.
Identifiers: ClinVar variation 1931321 (VCV001931321.6), dbSNP rs2502757083, ClinGen allele CA389638103.
Genomic context (GRCh38, chr14:50,118,624, plus strand): 5'-CTTGGCGAATTTGGACACGTACTAATGTCTCTGAGCCAGTCTGAATCTCTGTGAAGATGC[C>G]CCAGTGGAGGTGGCTGAAGATTAAATGGACAGTTTATAAAGTGTTCTGGAGGCCGAAGGG-3'
Protein context (NP_008870.2, residues 1230-1250): CPFNLQPPPL[Gly1240Ala]HLHRDSDWLR